The following is an entry in ClinVar:

NM_001128178.3(NPHP1):c.883T>G (p.Phe295Val)

Gene: NPHP1 (nephrocystin 1; minus strand). Cytogenetic location: 2q13.
Variant type: single nucleotide variant.
Coding change: c.883T>G on transcript NM_001128178.3 (MANE Select); coding-DNA position 883, T replaced by G.
Protein change: p.Phe295Val; replaces phenylalanine 295 with valine.
Molecular consequence: missense variant.
Genome position (GRCh38, 1-based): chr2:110,161,674, A>C on the plus strand (T>G on the coding strand, the complement: NPHP1 is on the minus strand). VCF-style: chr2-110161674-A-C. GRCh37 (hg19) VCF-style: chr2-110919251-A-C.
Other names: c.1051T>G, p.Phe351Val (NM_000272.5); c.694T>G, p.Phe232Val (NM_001128179.3); c.880T>G, p.Phe294Val (NM_001374256.1); c.883T>G, p.Phe295Val (NM_001374257.1); c.1048T>G, p.Phe350Val (NM_207181.4); short protein forms F295V, F350V, F294V, F351V, F232V.
Identifiers: ClinVar variation 1500296 (VCV001500296.5), dbSNP rs2104548598, ClinGen allele CA348090297.

ClinVar aggregate classification (germline): Uncertain significance (1 of 4 stars; one submission).

Conditions:
Nephronophthisis. Also called: Juvenile Nephronophthisis. Identifiers: Orphanet 655, MedGen C0687120, MONDO:0019005, HP:0000090.

Allele frequency attached by ClinVar (database versions not stated): gnomAD exomes below 0.00001.
gnomAD v4.1: 1 of 1,612,856 alleles (0.000062%); highest among the groups gnomAD compares: Admixed American, 0.0017%; no homozygotes.

Submission:

Labcorp Genetics (formerly Invitae), Labcorp
Classification: Uncertain significance for Nephronophthisis. Last evaluated: 2021-11-27. Review status: criteria provided, single submitter. Criteria: Invitae Variant Classification Sherloc (09022015). Collection method: clinical testing. Allele origin: germline.
Comment: In summary, the available evidence is currently insufficient to determine the role of this variant in disease. Therefore, it has been classified as a Variant of Uncertain Significance. Algorithms developed to predict the effect of missense changes on protein structure and function are either unavailable or do not agree on the potential impact of this missense change (SIFT: "Tolerated"; PolyPhen-2: "Probably Damaging"; Align-GVGD: "Class C0"). This variant has not been reported in the literature in individuals affected with NPHP1-related conditions. This variant is not present in population databases (gnomAD no frequency). This sequence change replaces phenylalanine, which is neutral and non-polar, with valine, which is neutral and non-polar, at codon 351 of the NPHP1 protein (p.Phe351Val).